The following is an entry in ClinVar:

ClinVar aggregate classification (germline): Uncertain significance (1 of 4 stars; one submission).

Submission:

Ambry Genetics
Classification: Uncertain significance. Last evaluated: 2025-06-09. Review status: criteria provided, single submitter. Criteria: Ambry Variant Classification Scheme 2023. Collection method: clinical testing. Allele origin: germline.
Comment: The p.G888D variant (also known as c.2663G>A), located in coding exon 13 of the GEN1 gene, results from a G to A substitution at nucleotide position 2663. The glycine at codon 888 is replaced by aspartic acid, an amino acid with similar properties. This amino acid position is conserved. In addition, this alteration is predicted to be tolerated by in silico analysis. Based on the available evidence, the clinical significance of this variant remains unclear.

NM_001130009.3(GEN1):c.2663G>A (p.Gly888Asp)

Gene: GEN1 (GEN1 Holliday junction 5' flap endonuclease; plus strand). Cytogenetic location: 2p24.2.
Variant type: single nucleotide variant.
Coding change: c.2663G>A on transcript NM_001130009.3 (MANE Select); coding-DNA position 2663, G replaced by A.
Protein change: p.Gly888Asp; replaces glycine 888 with aspartic acid.
Molecular consequence: missense variant.
Genome position (GRCh38, 1-based): chr2:17,781,875, G>A. VCF-style: chr2-17781875-G-A. GRCh37 (hg19) VCF-style: chr2-17963142-G-A.
Other names: c.2663G>A, p.Gly888Asp (NM_182625.5); short protein forms G888D.
Identifiers: ClinVar variation 4029338 (VCV004029338.1).